The following is an entry in ClinVar:

NM_000498.3(CYP11B2):c.800-2A>G

Genes: CYP11B2 (cytochrome P450 family 11 subfamily B member 2; minus strand), LOC106799834 (CYP11B2 recombination region; plus strand). Cytogenetic location: 8q24.3.
Variant type: single nucleotide variant.
Coding change: c.800-2A>G on transcript NM_000498.3 (MANE Select); the canonical splice acceptor site of the intron before coding-DNA position 800, A replaced by G.
Molecular consequence: splice acceptor variant.
Genome position (GRCh38, 1-based): chr8:142,914,420, T>C on the plus strand (A>G on the coding strand, the complement: CYP11B2 is on the minus strand). VCF-style: chr8-142914420-T-C. GRCh37 (hg19) VCF-style: chr8-143995836-T-C.
Identifiers: ClinVar variation 4818611 (VCV004818611.1).
Genomic context (GRCh38, chr8:142,914,420, plus strand): 5'-GTAGTGTTGAGGGCGGTTGAAGGCCAGTTCCTGGTAGATTTTCTGGATACAGTTGTCACC[T>C]GTCCAGGGAGCAGGGGACAGCCCTCAGATCTTGGTGCTGGGAAGCATCCTTCAGTGTCCT-3'

ClinVar aggregate classification (germline): Likely pathogenic (1 of 4 stars; one submission).

Conditions:
Corticosterone methyl oxidase type II deficiency.

Submission:

Natera, Inc.
Classification: Likely pathogenic for Corticosterone methyl oxidase type II deficiency. Last evaluated: 2025-08-01. Review status: criteria provided, single submitter. Criteria: Natera Variant Classification Schema (03/2026). Collection method: clinical testing. Allele origin: germline.
Comment: The c.800-2A>G variant in CYP11B2 is a canonical splice acceptor site variant predicted to affect pre-mRNA splicing, which may result in an abnormal transcript and altered protein product. This variant is expected to result in nonsense mediated decay, truncation, or a dysfunctional protein product. This variant is rare in the general population with a frequency below the threshold expected for the associated phenotype(s). Given the available evidence, this variant is classified as Likely Pathogenic.